The following is an entry in ClinVar:

NM_012309.5(SHANK2):c.3351C>G (p.Pro1117=)

Gene: SHANK2 (SH3 and multiple ankyrin repeat domains 2; minus strand). Cytogenetic location: 11q13.3.
Variant type: single nucleotide variant.
Coding change: c.3351C>G on transcript NM_012309.5 (MANE Select); coding-DNA position 3351, C replaced by G.
Protein change: p.Pro1117=; no amino-acid change (proline 1117 retained).
Molecular consequence: synonymous variant.
Genome position (GRCh38, 1-based): chr11:70,486,942, G>C on the plus strand (C>G on the coding strand, the complement: SHANK2 is on the minus strand). VCF-style: chr11-70486942-G-C. GRCh37 (hg19) VCF-style: chr11-70333047-G-C.
Other names: c.2214C>G, p.Pro738= (NM_001379226.1); c.1587C>G, p.Pro529= (NM_133266.5).
Identifiers: ClinVar variation 727550 (VCV000727550.8), dbSNP rs142550207, ClinGen allele CA6161141.

ClinVar aggregate classification (germline): Benign/Likely benign. Review status: criteria provided, multiple submitters, no conflicts (2 of 4 stars). 2 submissions from 2 submitters: Benign (1); Likely benign (1). Last evaluated 2026-02-01.

Allele frequency attached by ClinVar (database versions not stated): gnomAD exomes 0.00058; ExAC 0.00065; ESP Exome Variant Server 0.00217; TOPMed 0.00243; 1000 Genomes Project 30x 0.00265; 1000 Genomes Project 0.00319.
gnomAD v4.1: 668 of 1,612,338 alleles (0.041%); highest among the groups gnomAD compares: African/African-American, 0.81%; 1 homozygote.

Submissions (2):

CeGaT Center for Human Genetics Tuebingen
Classification: Likely benign. Last evaluated: 2026-02-01. Review status: criteria provided, single submitter. Criteria: CeGaT Center For Human Genetics Tuebingen Variant Classification Criteria Version 2. Collection method: clinical testing. Allele origin: germline. Affected: yes. Observed: 1 variant allele.
Comment: SHANK2: BP4, BP7, BS1

Labcorp Genetics (formerly Invitae), Labcorp
Classification: Benign. Last evaluated: 2019-12-31. Review status: criteria provided, single submitter. Criteria: Invitae Variant Classification Sherloc (09022015). Collection method: clinical testing. Allele origin: germline.